The following is an entry in ClinVar:

NM_201384.3(PLEC):c.3991A>C (p.Ser1331Arg)

Gene: PLEC (plectin; minus strand). Cytogenetic location: 8q24.3.
Variant type: single nucleotide variant.
Coding change: c.3991A>C on transcript NM_201384.3 (MANE Select); coding-DNA position 3991, A replaced by C.
Protein change: p.Ser1331Arg; replaces serine 1331 with arginine.
Molecular consequence: missense variant.
Genome position (GRCh38, 1-based): chr8:143,926,837, T>G on the plus strand (A>C on the coding strand, the complement: PLEC is on the minus strand). VCF-style: chr8-143926837-T-G. GRCh37 (hg19) VCF-style: chr8-145001005-T-G.
Other names: c.4072A>C, p.Ser1358Arg (NM_000445.5, NM_001410941.1); c.3949A>C, p.Ser1317Arg (NM_201378.4); c.3925A>C, p.Ser1309Arg (NM_201379.3); c.4402A>C, p.Ser1468Arg (NM_201380.4); c.3895A>C, p.Ser1299Arg (NM_201381.3); c.3991A>C, p.Ser1331Arg (NM_201382.4); c.4003A>C, p.Ser1335Arg (NM_201383.3); short protein forms S1299R, S1309R, S1317R, S1331R, S1335R, S1358R, S1468R.
Identifiers: ClinVar variation 3758127 (VCV003758127.2).

ClinVar aggregate classification (germline): Uncertain significance (1 of 4 stars; one submission).

Conditions:
Epidermolysis bullosa simplex with nail dystrophy (EBS5D). Identifiers: MedGen C4225309, MONDO:0014661, OMIM 616487.
Epidermolysis bullosa simplex, Ogna type (EBS5A). Also called: Pidermolysis bullosa simplex 5A, Ogna type; EPIDERMOLYSIS BULLOSA SIMPLEX 5A, OGNA TYPE. Identifiers: Orphanet 79401, MedGen C0432317, MONDO:0007555, OMIM 131950.
Autosomal recessive limb-girdle muscular dystrophy type 2Q (LGMDR17). Also called: MUSCULAR DYSTROPHY, LIMB-GIRDLE, AUTOSOMAL RECESSIVE 17. Identifiers: Orphanet 254361, MedGen C3150989, MONDO:0013390, OMIM 613723.
Epidermolysis bullosa simplex 5B, with muscular dystrophy (EBS5B). Also called: EPIDERMOLYSIS BULLOSA SIMPLEX AND LIMB-GIRDLE MUSCULAR DYSTROPHY; Epidermolysis bullosa simplex with muscular dystrophy. Identifiers: Orphanet 257, MedGen C2931072, MONDO:0009181, OMIM 226670.
Epidermolysis bullosa simplex 5C, with pyloric atresia (EBS5C). Also called: PLEC-Related Epidermolysis Bullosa with Pyloric Atresia; Epidermolysis bullosa simplex with pyloric atresia; PLEC1-Related Epidermolysis Bullosa with Pyloric Atresia. Identifiers: Orphanet 158684, MedGen C2677349, MONDO:0012807, OMIM 612138.

gnomAD v4.1: 1 of 1,613,710 alleles (0.000062%); highest among the groups gnomAD compares: Admixed American, 0.0017%; no homozygotes.

Submission:

Labcorp Genetics (formerly Invitae), Labcorp
Classification: Uncertain significance for Autosomal recessive limb-girdle muscular dystrophy type 2Q; Epidermolysis bullosa simplex, Ogna type; Epidermolysis bullosa simplex with nail dystrophy; Epidermolysis bullosa simplex 5C, with pyloric atresia; Epidermolysis bullosa simplex 5B, with muscular dystrophy. Last evaluated: 2024-10-07. Review status: criteria provided, single submitter. Criteria: Invitae Variant Classification Sherloc (09022015). Collection method: clinical testing. Allele origin: germline.
Comment: This sequence change replaces serine, which is neutral and polar, with arginine, which is basic and polar, at codon 1358 of the PLEC protein (p.Ser1358Arg). This variant is present in population databases (rs782509767, gnomAD 0.003%). This variant has not been reported in the literature in individuals affected with PLEC-related conditions. Invitae Evidence Modeling of protein sequence and biophysical properties (such as structural, functional, and spatial information, amino acid conservation, physicochemical variation, residue mobility, and thermodynamic stability) indicates that this missense variant is not expected to disrupt PLEC protein function with a negative predictive value of 80%. In summary, the available evidence is currently insufficient to determine the role of this variant in disease. Therefore, it has been classified as a Variant of Uncertain Significance.